The following is an entry in ClinVar:

ClinVar aggregate classification (germline): Likely pathogenic (1 of 4 stars; one submission).

Conditions:
Sotos syndrome (SOTOS). Also called: Distinctive facial appearance, overgrowth in childhood, and learning disabilities or delayed development; SOTOS SYNDROME 1; CHROMOSOME 5q35 DELETION SYNDROME; CEREBRAL GIGANTISM; Sotos' syndrome. Identifiers: Orphanet 821, MedGen C0175695, MONDO:0019349, OMIM 117550.

Submission:

Obstetrics Unit, Tongji Hospital, Huazhong University of Science and Technology
Classification: Likely pathogenic for Sotos syndrome. Last evaluated: 2024-12-25. Review status: criteria provided, single submitter. Criteria: ACMG Guidelines, 2015. Collection method: clinical testing. Allele origin: de novo. Affected: yes.
Comment: NSD1:NM_022455.5:exon9:c.4358dup:p.Y1453* variant: possibly pathogenic (PVS1+PM2) Very strong evidence of pathogenicity PVS1: This variant mutates the corresponding codon to a stop codon, resulting in altered protein function; Moderate pathogenicity evidence PM2: the variant is found in the Human Exome Database (ExAC), Reference Population Thousand Genomes (1000G) and the Population Genome Mutation Frequency Database (gnomAD); Phenotypic match between disease characteristics and this case: partial match Upon querying public databases, mutations in the gene NSD1 (OMIM:606681) cause the autosomal dominant disorder Sotos syndrome 1 (Sotos syndrome type 1) (OMIM:117550).

Literature cited by the submitters: PubMed 16329110; PubMed 31475041.

NM_022455.5(NSD1):c.4358dup (p.Tyr1453Ter)

Gene: NSD1 (nuclear receptor binding SET domain protein 1; plus strand). Cytogenetic location: 5q35.3.
Variant type: Duplication.
Coding change: c.4358dup on transcript NM_022455.5 (MANE Select); coding-DNA position 4358, one base duplicated (A; older notation c.4358dupA).
Protein change: p.Tyr1453Ter; replaces tyrosine 1453 with a stop codon.
Molecular consequence: nonsense.
Genome position (GRCh38, 1-based): chr5:177,244,250, A duplicated. VCF-style (leftmost placement, unchanged base first): chr5-177244249-T-TA. GRCh37 (hg19) VCF-style: chr5-176671250-T-TA.
Other names: c.3485dup, p.Tyr1162Ter (NM_001409309.1, NM_172349.5, NM_001365684.2 and 3 more transcripts); c.4358dup, p.Tyr1453Ter (NM_001409301.1, NM_001409302.1, NM_001409303.1); c.3938dup, p.Tyr1313Ter (NM_001409304.1); c.3605dup, p.Tyr1202Ter (NM_001409305.1); short protein forms Y1162*, Y1202*, Y1313*, Y1453*.
Identifiers: ClinVar variation 3600343 (VCV003600343.1).